The following is an entry in ClinVar:

ClinVar aggregate classification (germline): Likely pathogenic. Review status: criteria provided, multiple submitters, no conflicts (2 of 4 stars). 2 submissions from 2 submitters: Likely pathogenic (2). Last evaluated 2024-06-20.

Conditions:
Hereditary hemorrhagic telangiectasia (HHT). Also called: ORW DISEASE; Osler Weber Rendu syndrome; OSLER-RENDU-WEBER DISEASE; Osler hemorrhagic telangiectasia syndrome. Identifiers: Orphanet 774, MedGen C0039445, MONDO:0019180. Disease mechanism: loss of function.
Telangiectasia, hereditary hemorrhagic, type 1 (HHT1). Also called: Osler Weber Rendu syndrome type 1; ENG-Related Hereditary Hemorrhagic Telangiectasia. Identifiers: Orphanet 774, MedGen C4551861, MONDO:0008535, OMIM 187300. Disease mechanism: loss of function.

Submissions (2):

Fulgent Genetics
Classification: Likely pathogenic for Telangiectasia, hereditary hemorrhagic, type 1. Last evaluated: 2024-06-20. Review status: criteria provided, single submitter. Criteria: ACMG Guidelines, 2015. Collection method: clinical testing. Allele origin: germline.

Labcorp Genetics (formerly Invitae), Labcorp
Classification: Likely pathogenic for Hereditary hemorrhagic telangiectasia. Last evaluated: 2022-06-12. Review status: criteria provided, single submitter. Criteria: Invitae Variant Classification Sherloc (09022015). Collection method: clinical testing. Allele origin: germline.
Comment: In summary, the currently available evidence indicates that the variant is pathogenic, but additional data are needed to prove that conclusively. Therefore, this variant has been classified as Likely Pathogenic. This variant disrupts the p.Val49 amino acid residue in ENG. Other variant(s) that disrupt this residue have been determined to be pathogenic (PMID: 15024723, 17786384, 21158752, 22022569, 22991266). This suggests that this residue is clinically significant, and that variants that disrupt this residue are likely to be disease-causing. Advanced modeling of protein sequence and biophysical properties (such as structural, functional, and spatial information, amino acid conservation, physicochemical variation, residue mobility, and thermodynamic stability) performed at Invitae indicates that this missense variant is expected to disrupt ENG protein function. This variant has not been reported in the literature in individuals affected with ENG-related conditions. This variant is not present in population databases (gnomAD no frequency). This sequence change replaces valine, which is neutral and non-polar, with aspartic acid, which is acidic and polar, at codon 49 of the ENG protein (p.Val49Asp).

Literature cited by the submitters: PubMed 15024723 (cited by Labcorp Genetics (formerly Invitae), Labcorp); PubMed 17786384 (cited by Labcorp Genetics (formerly Invitae), Labcorp); PubMed 21158752 (cited by Labcorp Genetics (formerly Invitae), Labcorp); PubMed 22022569 (cited by Labcorp Genetics (formerly Invitae), Labcorp); PubMed 22991266 (cited by Labcorp Genetics (formerly Invitae), Labcorp).

NM_001114753.3(ENG):c.146T>A (p.Val49Asp)

Gene: ENG (endoglin; minus strand). Cytogenetic location: 9q34.11.
Variant type: single nucleotide variant.
Coding change: c.146T>A on transcript NM_001114753.3 (MANE Select); coding-DNA position 146, T replaced by A.
Protein change: p.Val49Asp; replaces valine 49 with aspartic acid.
Molecular consequence: missense variant. On other transcripts: 5 prime UTR variant (1).
Genome position (GRCh38, 1-based): chr9:127,843,167, A>T on the plus strand (T>A on the coding strand, the complement: ENG is on the minus strand). VCF-style: chr9-127843167-A-T. GRCh37 (hg19) VCF-style: chr9-130605446-A-T.
Other names: c.146T>A, p.Val49Asp (NM_000118.4, NM_001406715.1); c.-401T>A (NM_001278138.2); short protein forms V49D.
Identifiers: ClinVar variation 2005119 (VCV002005119.5), dbSNP rs2539107437, ClinGen allele CA374989051.